The following is an entry in ClinVar:

NM_001165963.4(SCN1A):c.859T>G (p.Leu287Val)

Gene: SCN1A (sodium voltage-gated channel alpha subunit 1; minus strand). Cytogenetic location: 2q24.3.
Variant type: single nucleotide variant.
Coding change: c.859T>G on transcript NM_001165963.4 (MANE Select); coding-DNA position 859, T replaced by G.
Protein change: p.Leu287Val; replaces leucine 287 with valine.
Molecular consequence: missense variant. On other transcripts: 5 prime UTR variant (1), non-coding transcript variant (1).
Genome position (GRCh38, 1-based): chr2:166,051,824, A>C on the plus strand (T>G on the coding strand, the complement: SCN1A is on the minus strand). VCF-style: chr2-166051824-A-C. GRCh37 (hg19) VCF-style: chr2-166908334-A-C.
Other names: c.859T>G, p.Leu287Val (NM_001353957.2, NM_001353958.2, NM_001353960.2 and 10 more transcripts); c.-1567T>G (NM_001353961.2); short protein forms L287V.
Identifiers: ClinVar variation 1398954 (VCV001398954.12), dbSNP rs138357595, ClinGen allele CA1943429.

ClinVar aggregate classification (germline): Conflicting classifications of pathogenicity. Review status: criteria provided, conflicting classifications (1 of 4 stars). 3 submissions from 3 submitters: Uncertain significance (2); Benign (1). Last evaluated 2026-04-07.

Conditions:
Early-infantile DEE. Also called: Early infantile epileptic encephalopathy; Early infantile epileptic encephalopathy with suppression bursts; Ohtahara syndrome. Identifiers: Orphanet 1934, MedGen C0393706, MONDO:0800491.

Allele frequency attached by ClinVar (database versions not stated): gnomAD exomes below 0.00001 and 0.00001; ExAC 0.00001; gnomAD 0.00003 and 0.00004; TOPMed 0.00003; ESP Exome Variant Server 0.00015.
gnomAD v4.1: 8 of 1,612,484 alleles (0.0005%); highest among the groups gnomAD compares: African/African-American, 0.011%; 1 homozygote.

Submissions (3):

Women's Health and Genetics/Laboratory Corporation of America, LabCorp
Classification: Uncertain significance. Last evaluated: 2026-04-07. Review status: criteria provided, single submitter. Criteria: LabCorp Variant Classification Summary - May 2015. Collection method: clinical testing. Allele origin: germline.
Comment: Variant summary: SCN1A c.859T>G (p.Leu287Val) results in a conservative amino acid change in the encoded protein sequence. Algorithms developed to predict the effect of missense changes on protein structure and function all suggest that this variant is likely to be tolerated. The variant allele was found at a frequency of 8e-06 in 250630 control chromosomes. The available data on variant occurrences in the general population are insufficient to allow any conclusion about variant significance. To our knowledge, no occurrence of c.859T>G in individuals affected with SCN1A-related conditions and no experimental evidence demonstrating its impact on protein function have been reported. ClinVar contains an entry for this variant (Variation ID: 1398954). Based on the evidence outlined above, the variant was classified as uncertain significance.

Labcorp Genetics (formerly Invitae), Labcorp
Classification: Benign for Early-infantile DEE. Last evaluated: 2025-06-29. Review status: criteria provided, single submitter. Criteria: Invitae Variant Classification Sherloc (09022015). Collection method: clinical testing. Allele origin: germline.

GeneDx
Classification: Uncertain significance. Last evaluated: 2022-03-15. Review status: criteria provided, single submitter. Criteria: GeneDx Variant Classification Process June 2021. Collection method: clinical testing. Allele origin: germline. Affected: yes.
Comment: Missense variants in this gene are often considered pathogenic (HGMD); In silico analysis supports that this missense variant does not alter protein structure/function; Has not been previously published as pathogenic or benign to our knowledge; This substitution is predicted to be within the extracellular loop between the S5 and S6 transmembrane segments of the first homologous domain